The following is an entry in ClinVar:

ClinVar aggregate classification (germline): Likely pathogenic (1 of 4 stars; one submission).

Submission:

Dasa
Classification: Likely pathogenic. Last evaluated: 2025-09-02. Review status: criteria provided, single submitter. Criteria: DASA Assertion Criteria. Collection method: clinical testing. Allele origin: germline.
Comment: NM_130839.5(UBE3A):c.891del (p.Glu297Aspfs*14) is a frameshift variant in UBE3A predicted to alter the reading frame and introduce a premature termination codon and is predicted to result in an absent or altered protein product. Loss of function is an established disease mechanism for UBE3A (PMID: 20034088; PMID: 19213023; PMID: 8988172). Also, this variant is absent from population databases. Based on the currently available evidence, this variant is classified as likely pathogenic.

Literature cited by the submitters: PubMed 20034088; PubMed 19213023; PubMed 8988172.

NM_130839.5(UBE3A):c.891del (p.Glu297fs)

Genes: SNHG14 (small nucleolar RNA host gene 14; plus strand), UBE3A (ubiquitin protein ligase E3A; minus strand). Cytogenetic location: 15q11.2.
Variant type: Deletion.
Coding change: c.891del on transcript NM_130839.5 (MANE Select); coding-DNA position 891, one base deleted (A; older notation c.891delA).
Protein change: p.Glu297fs; shifts the reading frame from glutamic acid 297.
Molecular consequence: frameshift variant. On other transcripts: non-coding transcript variant (1), intron variant (2).
Genome position (GRCh38, 1-based): chr15:25,371,283, T deleted on the plus strand (A on the coding strand, the reverse complement: UBE3A is on the minus strand); the first of 2 consecutive T bases (chr15:25,371,283-25,371,284); deleting either gives the same sequence. VCF-style (leftmost placement, unchanged base first): chr15-25371282-AT-A. GRCh37 (hg19) VCF-style: chr15-25616429-AT-A.
Other names: c.831del, p.Glu277fs (NM_001354509.2, NM_001354511.2, NM_001354512.2 and 17 more transcripts); c.891del, p.Glu297fs (NM_001354538.2, NM_001354545.2, NM_001354505.1); c.714del, p.Glu238fs (NM_001354546.2); c.900del, p.Glu300fs (NM_000462.5); c.301+4182del (NM_001354551.2); c.361+4182del (NM_001354550.2); short protein forms E238fs, E277fs, E297fs, E300fs.
Identifiers: ClinVar variation 4880610 (VCV004880610.2).